The following is an entry in ClinVar:

NM_000059.4(BRCA2):c.672_681+23del

Gene: BRCA2 (BRCA2 DNA repair associated; plus strand). Cytogenetic location: 13q13.1.
Variant type: Deletion.
Coding change: c.672_681+23del on transcript NM_000059.4 (MANE Select); coding-DNA position 672 through 23 bases into the intron after coding-DNA position 681, 33 bases deleted.
Molecular consequence: splice donor variant.
Genome position (GRCh38, 1-based): chr13:32,329,483-32,329,515, 33 bases deleted; deleting any 33 consecutive bases within chr13:32,329,482-32,329,515 gives the same sequence; the c. name uses the placement nearest the transcript's 3' end. GRCh37 (hg19): chr13:32,903,620-32,903,652.
Other names: c.672_681+23del33 (NM_000059.3).
Identifiers: ClinVar variation 462411 (VCV000462411.17), dbSNP rs1555281357, ClinGen allele CA658656358.

ClinVar aggregate classification (germline): Uncertain significance. Review status: reviewed by expert panel (3 of 4 stars). 4 submissions from 4 submitters: Uncertain significance (1). 3 of the submissions do not count toward it. Last evaluated 2026-08-27.

Conditions:
Hereditary breast ovarian cancer syndrome. Also called: Hereditary breast and ovarian cancer syndrome; Hereditary breast and ovarian cancer; Hereditary breast and ovarian cancer syndrome (HBOC); Breast and ovarian cancer; Hereditary breast and/or ovarian cancer syndrome; BRCA1- and BRCA2-Associated Hereditary Breast and Ovarian Cancer. Identifiers: Orphanet 145, MedGen C0677776, MeSH D061325, MONDO:0003582. Disease mechanism: loss of function.
Hereditary cancer-predisposing syndrome. Also called: Tumor predisposition; Hereditary neoplastic syndrome; Neoplastic Syndromes, Hereditary; Hereditary Cancer Syndrome. Identifiers: Orphanet 140162, MedGen C0027672, MeSH D009386, MONDO:0015356.
BRCA2-related cancer predisposition. Identifiers: MedGen CN377758, MONDO:0700269.

Submissions (4):

ClinGen ENIGMA BRCA1 and BRCA2 Variant Curation Expert Panel, ClinGen
Classification: Uncertain significance for BRCA2-related cancer predisposition. Last evaluated: 2026-08-27. Review status: reviewed by expert panel. Criteria: CSpec BRCA1/2ACMG Rules Specifications V1.2. Collection method: curation. Allele origin: germline. Inheritance: Autosomal dominant inheritance.
Comment: The c.672_681+23del variant is an intronic variant spanning the native donor 1,2 splice site occurring in exon and intron 8 of the BRCA2 gene. This deletion variant was not observed in gnomAD v4.1, but PM2_Supporting was not applied since recall is considered suboptimal for this type of variant (PM2_Supporting not met). This variant removes the canonical splice donor site of intron 8. It is predicted to cause skipping of exon 8. RT-PCRseq demonstrated that the variant impacts splicing by skipping of exon 8. The percent of aberrant transcripts produced was 25-35%, using a non-allele specific quantitative assessment with sequence analysis. A potential rescue transcript (E6q39_8) was reported at 20-30% (Ambry internal data). The VCEP estimates no full length transcript is produced by the variant allele. Appropriate code strength determined by comparison of results to PVS1 decision tree, PVS1_N/A (RNA). In summary, this variant meets the criteria to be classified as a Variant of uncertain significance for BRCA2-related cancer predisposition based on the ACMG/AMP criteria applied as specified by the ENIGMA BRCA1/2 VCEP (none).

Ambry Genetics
Classification: Uncertain significance for Hereditary cancer-predisposing syndrome. Last evaluated: 2025-08-25. Review status: criteria provided, single submitter. Criteria: Ambry Variant Classification Scheme 2023. Collection method: clinical testing. Allele origin: germline. Not counted in ClinVar's aggregate classification.
Comment: The c.672_681+23del33 variant results from a deletion of 33 nucleotides between positions c.672 and c.681+23 and involves the canonical splice donor site after coding exon 7 of the BRCA2 gene. RNA studies have demonstrated that this alteration results in abnormal splicing in the set of samples tested; however, a significant portion of the transcript is in-frame (Ambry internal data). This in-frame transcript, referred to as &Delta;(E6Q39_E8) in the literature, has been shown to perform complementation in mouse embryonic stem cells and maintains 90% activity in a homology-directed repair functional assay (Mesman, RLS et al. Genet Med 2020 08;22(8):1355-1365). Based on the available evidence, the clinical significance of this variant remains unclear.

Labcorp Genetics (formerly Invitae), Labcorp
Classification: Pathogenic for Hereditary breast ovarian cancer syndrome. Last evaluated: 2025-04-02. Review status: criteria provided, single submitter. Criteria: Invitae Variant Classification Sherloc (09022015). Collection method: clinical testing. Allele origin: germline. Not counted in ClinVar's aggregate classification.
Comment: This variant results in the deletion of part of exon 8 of the BRCA2 gene. It is expected to disrupt RNA splicing. Variants that disrupt the donor or acceptor splice site typically lead to a loss of protein function (PMID: 16199547), and loss-of-function variants in BRCA2 are known to be pathogenic (PMID: 20104584). This variant is not present in population databases (gnomAD no frequency). This variant has not been reported in the literature in individuals affected with BRCA2-related conditions. ClinVar contains an entry for this variant (Variation ID: 462411). For these reasons, this variant has been classified as Pathogenic.

GeneDx
Classification: Uncertain significance. Last evaluated: 2023-12-07. Review status: criteria provided, single submitter. Criteria: GeneDx Variant Classification Process June 2021. Collection method: clinical testing. Allele origin: germline. Affected: yes. Not counted in ClinVar's aggregate classification.
Comment: In-frame transcript, E6Q39_E8, able to complement growth in mouse embryonic stem cells, leading to homology-directed repair activity comparable to wild-type (PMID: 32398771); Not observed at significant frequency in large population cohorts (gnomAD); Has not been previously published as pathogenic or benign to our knowledge; This variant is associated with the following publications: (PMID: 32398771)

Literature cited by the submitters: PubMed 32398771 (cited by Ambry Genetics); PubMed 16199547 (cited by Labcorp Genetics (formerly Invitae), Labcorp); PubMed 20104584 (cited by Labcorp Genetics (formerly Invitae), Labcorp).